The following is an entry in ClinVar:

ClinVar aggregate classification (germline): Uncertain significance (1 of 4 stars; one submission).

Conditions:
Cowden syndrome (CS). Also called: Cowden's disease; Cowden's syndrome; Cowden disease. Identifiers: Orphanet 201, MedGen C0018553, MONDO:0016063. Disease mechanism: gain of function.

Submission:

Labcorp Genetics (formerly Invitae), Labcorp
Classification: Uncertain significance for Cowden syndrome. Last evaluated: 2018-08-21. Review status: criteria provided, single submitter. Criteria: Invitae Variant Classification Sherloc (09022015). Collection method: clinical testing. Allele origin: germline.
Comment: Experimental studies and prediction algorithms are not available for this variant, and the functional significance of the affected amino acid is currently unknown. In summary, the available evidence is currently insufficient to determine the role of this variant in disease. Therefore, it has been classified as a Variant of Uncertain Significance. This variant has not been reported in the literature in individuals with PIK3CA-related disease. This variant is not present in population databases (ExAC no frequency). This variant, c.2364_2366delCAT, results in the deletion of 1 amino acid of the PIK3CA protein (p.Ile788del), but otherwise preserves the integrity of the reading frame.

NM_006218.4(PIK3CA):c.2361CAT[1] (p.Ile788del)

Gene: PIK3CA (phosphatidylinositol-4,5-bisphosphate 3-kinase catalytic subunit alpha; plus strand). Cytogenetic location: 3q26.32.
Variant type: Microsatellite.
Coding change: c.2361CAT[1] on transcript NM_006218.4 (MANE Select); one copy of the 3-base unit CAT starting at c.2361; the reference has two copies in a row; one copy, 3 bases deleted.
Protein change: p.Ile788del; deletes isoleucine 788.
Molecular consequence: inframe deletion.
Genome position (GRCh38, 1-based): chr3:179,224,769-179,224,771, CAT deleted; deleting any 3 consecutive bases within chr3:179,224,766-179,224,771 gives the same sequence; the position shown is the placement nearest the transcript's 3' end. VCF-style (leftmost placement, unchanged base first): chr3-179224765-ACAT-A. GRCh37 (hg19) VCF-style: chr3-178942553-ACAT-A.
Other names: short protein forms I788del.
Identifiers: ClinVar variation 653823 (VCV000653823.9), dbSNP rs1576945593, ClinGen allele CA915941088.
Genomic context (GRCh38, chr3:179,224,765, plus strand): 5'-AAGAGTGTCGAATTATGTCCTCTGCAAAAAGGCCACTGTGGTTGAATTGGGAGAACCCAG[ACAT>A]CATGTCAGAGTTACTGTTTCAGAACAATGAGATCATCTTTAAAAATGGGGATGGTAAGGA-3'